The following is an entry in ClinVar:

ClinVar aggregate classification (germline): Uncertain significance. Review status: criteria provided, multiple submitters, no conflicts (2 of 4 stars). 2 submissions from 2 submitters: Uncertain significance (2). Last evaluated 2025-05-08.

Conditions:
Capillary malformation-arteriovenous malformation 2 (CMAVM2). Identifiers: Orphanet 693912, MedGen C4748670, MONDO:0020785, OMIM 618196.
Cardiovascular phenotype. Identifiers: MedGen CN230736.

Allele frequency attached by ClinVar (database versions not stated): gnomAD 0.00001; TOPMed 0.00001.
gnomAD v4.1: 1 of 1,613,994 alleles (0.000062%); highest among the groups gnomAD compares: Admixed American, 0.0017%; no homozygotes.

Submissions (2):

Clinical Genomics Laboratory, Washington University in St. Louis
Classification: Uncertain significance for Capillary malformation-arteriovenous malformation 2. Last evaluated: 2025-05-08. Review status: criteria provided, single submitter. Criteria: ACMG Guidelines, 2015. Collection method: clinical testing. Allele origin: germline.
Comment: An EPHB4 c.2159T>C (p.Met720Thr) variant was identified at a near heterozygous allelic fraction of 49.7%, a frequency which may be consistent with it being of germline origin. This variant, to our knowledge, has not been reported in the medical literature. It is only observed on 1/1,613,994 alleles in the general population (gnomAD v.4.1.0), indicating it is not a common variant. Computational predictors are uncertain as to the impact of this variant on EPHB4 function. Due to limited information and based on ACMG/AMP guidelines for variant interpretation (Richards S et al., PMID: 25741868), the clinical significance of the EPHB4 c.2159T>C (p.Met720Thr) variant is uncertain at this time.

Ambry Genetics
Classification: Uncertain significance for Cardiovascular phenotype. Last evaluated: 2022-07-19. Review status: criteria provided, single submitter. Criteria: Ambry Variant Classification Scheme 2023. Collection method: clinical testing. Allele origin: germline.
Comment: The p.M720T variant (also known as c.2159T>C), located in coding exon 13 of the EPHB4 gene, results from a T to C substitution at nucleotide position 2159. The methionine at codon 720 is replaced by threonine, an amino acid with similar properties. This amino acid position is conserved. In addition, the in silico prediction for this alteration is inconclusive. Since supporting evidence is limited at this time, the clinical significance of this alteration remains unclear.

NM_004444.5(EPHB4):c.2159T>C (p.Met720Thr)

Gene: EPHB4 (EPH receptor B4; minus strand). Cytogenetic location: 7q22.1.
Variant type: single nucleotide variant.
Coding change: c.2159T>C on transcript NM_004444.5 (MANE Select); coding-DNA position 2159, T replaced by C.
Protein change: p.Met720Thr; replaces methionine 720 with threonine.
Molecular consequence: missense variant.
Genome position (GRCh38, 1-based): chr7:100,807,540, A>G on the plus strand (T>C on the coding strand, the complement: EPHB4 is on the minus strand). VCF-style: chr7-100807540-A-G. GRCh37 (hg19) VCF-style: chr7-100405162-A-G.
Other names: short protein forms M720T.
Identifiers: ClinVar variation 1786854 (VCV001786854.3), dbSNP rs1480741158, ClinGen allele CA368569175.